The following is an entry in ClinVar:

NM_001754.5(RUNX1):c.508+20T>C

Genes: RUNX1 (RUNX family transcription factor 1; minus strand), RUNX1-AS1 (RUNX1 antisense RNA 1; plus strand). Cytogenetic location: 21q22.12.
Variant type: single nucleotide variant.
Coding change: c.508+20T>C on transcript NM_001754.5 (MANE Select); 20 bases into the intron after coding-DNA position 508, T replaced by C.
Molecular consequence: intron variant.
Genome position (GRCh38, 1-based): chr21:34,880,537, A>G on the plus strand (T>C on the coding strand, the complement: RUNX1 is on the minus strand). VCF-style: chr21-34880537-A-G. GRCh37 (hg19) VCF-style: chr21-36252834-A-G.
Other names: c.427+20T>C (NM_001001890.3, NM_001122607.2).
Identifiers: ClinVar variation 1651361 (VCV001651361.9), dbSNP rs748235501, ClinGen allele CA2573157349.

ClinVar aggregate classification (germline): Likely benign. Review status: reviewed by expert panel (3 of 4 stars). 2 submissions from 2 submitters: Likely benign (1). 1 of the submissions does not count toward it. Last evaluated 2024-08-28.

Conditions:
Hereditary thrombocytopenia and hematological cancer predisposition syndrome associated with RUNX1. Also called: Familial Platelet Disorder with Propensity to Acute Myelogenous Leukemia; Familial thrombocytopenia with propensity to acute myelogenous leukemia; PLATELET DISORDER, ASPIRIN-LIKE; RUNX1 Familial Platelet Disorder with Associated Myeloid Malignancies. Identifiers: Orphanet 71290, MedGen C1832388, MeSH C563324, MONDO:0100083, OMIM 601399.
Hereditary thrombocytopenia and hematologic cancer predisposition syndrome. Identifiers: Orphanet 71290, MedGen CN281654, MONDO:0011071.

Submissions (2):

ClinGen Myeloid Malignancy Variant Curation Expert Panel
Classification: Likely benign for Hereditary thrombocytopenia and hematologic cancer predisposition syndrome. Last evaluated: 2024-08-28. Review status: reviewed by expert panel. Criteria: ClinGen MyeloMalig ACMG Specifications v2. Collection method: curation. Allele origin: germline. Inheritance: Autosomal dominant inheritance.
Comment: NM_001754.5(RUNX1):c.508+20T>C is an intronic variant in intron 5 of the biologically relevant transcript. This variant has not been observed in any population according to gnomAD v3 (PM2_Supporting). The nucleotide is not evolutionarily conserved (PhyloP 0.045), and the variant is not predicted to affect splicing according to SpliceAI (score 0.01) (BP4, BP7). The variant has not been described in the literature. In summary, this variant meets criteria to be classified as likely benign. ACMG/AMP criteria applied, as specified by the Myeloid Malignancy Variant Curation Expert Panel for RUNX1: BP4, BP7, PM2_Supporting.

Labcorp Genetics (formerly Invitae), Labcorp
Classification: Likely benign for Hereditary thrombocytopenia and hematological cancer predisposition syndrome associated with RUNX1. Last evaluated: 2025-08-06. Review status: criteria provided, single submitter. Criteria: Invitae Variant Classification Sherloc (09022015). Collection method: clinical testing. Allele origin: germline. Not counted in ClinVar's aggregate classification.